The following is an entry in ClinVar:

NM_016507.4(CDK12):c.1363A>G (p.Lys455Glu)

Gene: CDK12 (cyclin dependent kinase 12; plus strand). Cytogenetic location: 17q12.
Variant type: single nucleotide variant.
Coding change: c.1363A>G on transcript NM_016507.4 (MANE Select); coding-DNA position 1363, A replaced by G.
Protein change: p.Lys455Glu; replaces lysine 455 with glutamic acid.
Molecular consequence: missense variant.
Genome position (GRCh38, 1-based): chr17:39,471,195, A>G. VCF-style: chr17-39471195-A-G. GRCh37 (hg19) VCF-style: chr17-37627448-A-G.
Other names: c.1363A>G, p.Lys455Glu (NM_015083.4); short protein forms K455E.
Identifiers: ClinVar variation 3489228 (VCV003489228.1).
Genomic context (GRCh38, chr17:39,471,195, plus strand): 5'-GTAGAGGCTAAGGATTCAGGTTTGGAGTCTAAAAAGTTACCCAGAAGTGTAAAATTGGAA[A>G]AATCTGCCCCAGATACTGAACTGGTGAATGTAACACATCTAAACACAGAGGTAAAAAATT-3'
Protein context (NP_057591.2, residues 445-465): KKLPRSVKLE[Lys455Glu]SAPDTELVNV

ClinVar aggregate classification (germline): Uncertain significance (1 of 4 stars; one submission).

gnomAD v4.1: 1 of 1,581,280 alleles (0.000063%); highest among the groups gnomAD compares: Non-Finnish European, 0.000086%; no homozygotes.

Submission:

Ambry Genetics
Classification: Uncertain significance. Last evaluated: 2024-11-21. Review status: criteria provided, single submitter. Criteria: Ambry Variant Classification Scheme 2023. Collection method: clinical testing. Allele origin: germline.
Comment: The p.K455E variant (also known as c.1363A>G), located in coding exon 2 of the CDK12 gene, results from an A to G substitution at nucleotide position 1363. The lysine at codon 455 is replaced by glutamic acid, an amino acid with similar properties. This amino acid position is conserved. In addition, the in silico prediction for this alteration is inconclusive. Based on the available evidence, the clinical significance of this variant remains unclear.